The following is an entry in ClinVar:

NM_001364905.1(LRBA):c.315G>A (p.Thr105=)

Gene: LRBA (LPS responsive beige-like anchor protein; minus strand). Cytogenetic location: 4q31.3.
Variant type: single nucleotide variant.
Coding change: c.315G>A on transcript NM_001364905.1 (MANE Select); coding-DNA position 315, G replaced by A.
Protein change: p.Thr105=; no amino-acid change (threonine 105 retained).
Molecular consequence: synonymous variant.
Genome position (GRCh38, 1-based): chr4:150,928,967, C>T on the plus strand (G>A on the coding strand, the complement: LRBA is on the minus strand). VCF-style: chr4-150928967-C-T. GRCh37 (hg19) VCF-style: chr4-151850119-C-T.
Other names: c.315G>A, p.Thr105= (NM_001199282.3, NM_001367550.1, NM_006726.5).
Identifiers: ClinVar variation 1164911 (VCV001164911.10), dbSNP rs755713891, ClinGen allele CA3103906.

ClinVar aggregate classification (germline): Benign/Likely benign. Review status: criteria provided, multiple submitters, no conflicts (2 of 4 stars). 2 submissions from 2 submitters: Benign (1); Likely benign (1). Last evaluated 2026-07-28.

Conditions:
Combined immunodeficiency due to LRBA deficiency. Also called: Common variable immunodeficiency 8, with autoimmunity. Identifiers: Orphanet 445018, MedGen C3553512, MONDO:0013863, OMIM 614700.
LRBA-related disorder. Also called: LRBA-related condition.

Allele frequency attached by ClinVar (database versions not stated): TOPMed 0.00004; gnomAD 0.00018 and 0.00020.
gnomAD v4.1: 153 of 1,613,584 alleles (0.0095%); highest among the groups gnomAD compares: Non-Finnish European, 0.0033%; no homozygotes.

Submissions (2):

PreventionGenetics, part of Exact Sciences
Classification: Likely benign for LRBA-related condition. Last evaluated: 2026-07-28. Review status: criteria provided, single submitter. Criteria: ACMG Guidelines, 2015. Collection method: clinical testing. Allele origin: germline.
Comment: This variant is classified as likely benign based on ACMG/AMP sequence variant interpretation guidelines (Richards et al. 2015 PMID: 25741868, with internal and published modifications).

Labcorp Genetics (formerly Invitae), Labcorp
Classification: Benign for Combined immunodeficiency due to LRBA deficiency. Last evaluated: 2025-09-04. Review status: criteria provided, single submitter. Criteria: Invitae Variant Classification Sherloc (09022015). Collection method: clinical testing. Allele origin: germline.